The following is an entry in ClinVar:

NM_000057.4(BLM):c.2110T>C (p.Cys704Arg)

Gene: BLM (BLM RecQ like helicase; plus strand). Cytogenetic location: 15q26.1.
Variant type: single nucleotide variant.
Coding change: c.2110T>C on transcript NM_000057.4 (MANE Select); coding-DNA position 2110, T replaced by C.
Protein change: p.Cys704Arg; replaces cysteine 704 with arginine.
Molecular consequence: missense variant.
Genome position (GRCh38, 1-based): chr15:90,765,331, T>C. VCF-style: chr15-90765331-T-C. GRCh37 (hg19) VCF-style: chr15-91308561-T-C.
Other names: c.2110T>C, p.Cys704Arg (NM_001287246.2, NM_001287247.2); c.985T>C, p.Cys329Arg (NM_001287248.2); short protein forms C704R, C329R.
Identifiers: ClinVar variation 2124477 (VCV002124477.4), dbSNP rs2505441301, ClinGen allele CA393844582.

ClinVar aggregate classification (germline): Uncertain significance (1 of 4 stars; one submission).

Conditions:
Bloom syndrome (BLM). Also called: Bloom-Torre-Machacek syndrome. Identifiers: Orphanet 125, MedGen C0005859, MONDO:0008876, OMIM 210900.

Allele frequency attached by ClinVar (database versions not stated): gnomAD exomes below 0.00001.
gnomAD v4.1: 1 of 1,613,710 alleles (0.000062%); highest among the groups gnomAD compares: Non-Finnish European, 0.000085%; no homozygotes.

Submission:

Labcorp Genetics (formerly Invitae), Labcorp
Classification: Uncertain significance for Bloom syndrome. Last evaluated: 2022-04-11. Review status: criteria provided, single submitter. Criteria: Invitae Variant Classification Sherloc (09022015). Collection method: clinical testing. Allele origin: germline.
Comment: This sequence change replaces cysteine, which is neutral and slightly polar, with arginine, which is basic and polar, at codon 704 of the BLM protein (p.Cys704Arg). This variant is not present in population databases (gnomAD no frequency). This variant has not been reported in the literature in individuals affected with BLM-related conditions. Algorithms developed to predict the effect of missense changes on protein structure and function are either unavailable or do not agree on the potential impact of this missense change (SIFT: "Deleterious"; PolyPhen-2: "Probably Damaging"; Align-GVGD: "Class C0"). In summary, the available evidence is currently insufficient to determine the role of this variant in disease. Therefore, it has been classified as a Variant of Uncertain Significance.